The following is an entry in ClinVar:

ClinVar aggregate classification (germline): Likely pathogenic (0 of 4 stars; one submission).

Conditions:
Hypotonia, infantile, with psychomotor retardation and characteristic facies 2 (IHPRF2). Also called: UNC80 Deficiency. Identifiers: Orphanet 371364, Orphanet 700333, MedGen C4225203, MONDO:0014777, OMIM 616801.

Submission:

Undiagnosed Diseases Network, NIH
Classification: Likely pathogenic for Hypotonia, infantile, with psychomotor retardation and characteristic facies 2. Last evaluated: 2016-04-15. Review status: no assertion criteria provided. Collection method: clinical testing. Allele origin: inherited. Inheritance: Autosomal recessive inheritance. Affected: yes. Observed: 1 homozygote.
Comment: A homozygous variant in the UNC80 gene was identified. Loss of function variants in the UNC80 gene are associated with autosomal recessive infantile hypotonia with psychomotor retardation and characteristic facies-2 (IHPRF2) [MIM: 616801]. The homozygous variant NM_032504.1:c.8574+2T>G in UNC80 has not been previously observed in the general population (ExAC or gnomAD). This variant is predicted to result in a loss of function of the UNC80 gene product, and is thus likely to be pathogenic. This variant has not previously been reported in the literature in individuals with this condition. This variant was confirmed using Sanger sequencing as an alternate methodology.

NM_001371986.1(UNC80):c.8772+2T>G

Gene: UNC80 (unc-80 subunit of NALCN channel complex; plus strand). Cytogenetic location: 2q34.
Variant type: single nucleotide variant.
Coding change: c.8772+2T>G on transcript NM_001371986.1 (MANE Select); the canonical splice donor site of the intron after coding-DNA position 8772, T replaced by G.
Molecular consequence: splice donor variant.
Genome position (GRCh38, 1-based): chr2:209,976,305, T>G. VCF-style: chr2-209976305-T-G. GRCh37 (hg19) VCF-style: chr2-210841029-T-G.
Other names: c.8574+2T>G (NM_032504.2); c.8559+2T>G (NM_182587.4).
Identifiers: ClinVar variation 453302 (VCV000453302.4), dbSNP rs1553621496, ClinGen allele CA350413993.
Genomic context (GRCh38, chr2:209,976,305, plus strand): 5'-TCATCGTGCGGACCCGAATACCCATCTTTGTGCTTTTGCGCCCTTTCATCCAGTGCAAGG[T>G]GTGGTGTGTGCTTCTCCTCCTGAAAGTGGCAAGCTCAAATGAATGTGTGGCTCTCTACTG-3'